The following is an entry in ClinVar:

ClinVar aggregate classification (germline): Pathogenic (1 of 4 stars; one submission).

Conditions:
Hyperinsulinemic hypoglycemia, familial, 1 (HHF1). Also called: HYPERINSULINISM, FAMILIAL, WITH PANCREATIC NESIDIOBLASTOSIS; HYPOGLYCEMIA, HYPERINSULINEMIC, OF INFANCY; NESIDIOBLASTOSIS OF PANCREAS; Persistent Hyperinsulinemia Hypoglycemia of Infancy; Persistent hyperinsulinemic hypoglycemia of infancy. Identifiers: Orphanet 276575, Orphanet 276598, MedGen C2931832, MONDO:0009734, OMIM 256450.

Submission:

Myriad Genetics, Inc.
Classification: Pathogenic for Hyperinsulinemic hypoglycemia, familial, 1. Last evaluated: 2023-12-12. Review status: criteria provided, single submitter. Criteria: Myriad Autosomal Dominant, Autosomal Recessive and X-Linked Classification Criteria (2023). Collection method: clinical testing. Allele origin: unknown.
Comment: NM_000352.3(ABCC8):c.2530dupT(Y844Lfs*11) is expected to be pathogenic in the context of familial hyperinsulinism, ABCC8-related. This variant is predicted to lead to an abnormal or absent protein product due to the creation of a premature termination codon in ABCC8, a gene where loss-of-function variants are known to be pathogenic. Please note: this variant was assessed in the context of healthy population screening.

NM_000352.6(ABCC8):c.2530dup (p.Tyr844fs)

Gene: ABCC8 (ATP binding cassette subfamily C member 8; minus strand). Cytogenetic location: 11p15.1.
Variant type: Duplication.
Coding change: c.2530dup on transcript NM_000352.6 (MANE Select); coding-DNA position 2530, one base duplicated (T; older notation c.2530dupT).
Protein change: p.Tyr844fs; shifts the reading frame from tyrosine 844.
Molecular consequence: frameshift variant. On other transcripts: non-coding transcript variant (1).
Genome position (GRCh38, 1-based): chr11:17,412,692, A duplicated on the plus strand (T on the coding strand, the reverse complement: ABCC8 is on the minus strand). VCF-style (leftmost placement, unchanged base first): chr11-17412691-T-TA. GRCh37 (hg19) VCF-style: chr11-17434238-T-TA.
Other names: c.2533dup, p.Tyr845fs (NM_001287174.3); c.2596dup, p.Tyr866fs (NM_001351295.2); c.2530dup, p.Tyr844fs (NM_001351296.2); c.2527dup, p.Tyr843fs (NM_001351297.2); short protein forms Y843fs, Y844fs, Y845fs, Y866fs.
Identifiers: ClinVar variation 5012567 (VCV005012567.1).